The following is an entry in ClinVar:

NM_024642.5(GALNT12):c.898T>C (p.Ser300Pro)

Gene: GALNT12 (polypeptide N-acetylgalactosaminyltransferase 12; plus strand). Cytogenetic location: 9q22.33.
Variant type: single nucleotide variant.
Coding change: c.898T>C on transcript NM_024642.5 (MANE Select); coding-DNA position 898, T replaced by C.
Protein change: p.Ser300Pro; replaces serine 300 with proline.
Molecular consequence: missense variant.
Genome position (GRCh38, 1-based): chr9:98,831,938, T>C. VCF-style: chr9-98831938-T-C. GRCh37 (hg19) VCF-style: chr9-101594220-T-C.
Other names: short protein forms S300P.
Identifiers: ClinVar variation 3227968 (VCV003227968.1), dbSNP rs1836009535, ClinGen allele CA374218372.

ClinVar aggregate classification (germline): Uncertain significance (1 of 4 stars; one submission).

Allele frequency attached by ClinVar (database versions not stated): TOPMed 0.00001.

Submission:

Ambry Genetics
Classification: Uncertain significance. Last evaluated: 2023-10-27. Review status: criteria provided, single submitter. Criteria: Ambry Variant Classification Scheme 2023. Collection method: clinical testing. Allele origin: germline.
Comment: The p.S300P variant (also known as c.898T>C), located in coding exon 4 of the GALNT12 gene, results from a T to C substitution at nucleotide position 898. The serine at codon 300 is replaced by proline, an amino acid with similar properties. This amino acid position is conserved. In addition, the in silico prediction for this alteration is inconclusive. Since supporting evidence is limited at this time, the clinical significance of this alteration remains unclear.